The following is an entry in ClinVar:

ClinVar aggregate classification (germline): Uncertain significance (1 of 4 stars; one submission).

Conditions:
Immunodeficiency 39 (IMD39). Identifiers: Orphanet 574918, MedGen C4225358, MONDO:0014597, OMIM 616345.

Allele frequency attached by ClinVar (database versions not stated): gnomAD 0.00003; gnomAD exomes 0.00005; ExAC 0.00009.

Submission:

Labcorp Genetics (formerly Invitae), Labcorp
Classification: Uncertain significance for Immunodeficiency 39. Last evaluated: 2025-10-21. Review status: criteria provided, single submitter. Criteria: Invitae Variant Classification Sherloc (09022015). Collection method: clinical testing. Allele origin: germline.
Comment: This sequence change replaces glycine, which is neutral and non-polar, with alanine, which is neutral and non-polar, at codon 300 of the IRF7 protein (p.Gly300Ala). This variant is present in population databases (rs763456786, gnomAD 0.009%). This variant has not been reported in the literature in individuals affected with IRF7-related conditions. ClinVar contains an entry for this variant (Variation ID: 542688). Invitae Evidence Modeling of protein sequence and biophysical properties (such as structural, functional, and spatial information, amino acid conservation, physicochemical variation, residue mobility, and thermodynamic stability) indicates that this missense variant is not expected to disrupt IRF7 protein function with a negative predictive value of 80%. In summary, the available evidence is currently insufficient to determine the role of this variant in disease. Therefore, it has been classified as a Variant of Uncertain Significance.

NM_001572.5(IRF7):c.860G>C (p.Gly287Ala)

Gene: IRF7 (interferon regulatory factor 7; minus strand). Cytogenetic location: 11p15.5.
Variant type: single nucleotide variant.
Coding change: c.860G>C on transcript NM_001572.5 (MANE Select); coding-DNA position 860, G replaced by C.
Protein change: p.Gly287Ala; replaces glycine 287 with alanine.
Molecular consequence: missense variant.
Genome position (GRCh38, 1-based): chr11:613,583, C>G on the plus strand (G>C on the coding strand, the complement: IRF7 is on the minus strand). VCF-style: chr11-613583-C-G. GRCh37 (hg19) VCF-style: chr11-613583-C-G.
Other names: c.860G>C, p.Gly287Ala (LRG_1313t1); c.773G>C, p.Gly258Ala (NM_004029.4); c.899G>C, p.Gly300Ala (NM_004031.4); short protein forms G287A, G300A, G258A.
Identifiers: ClinVar variation 542688 (VCV000542688.6), dbSNP rs763456786, ClinGen allele CA5783648.